The following continues an entry in ClinVar:

NM_000051.4(ATM):c.8734A>G (p.Arg2912Gly)

ClinVar aggregate classification (germline): Uncertain significance. Uncertain significance (1).

Submissions 7 to 20 of 35:

Labcorp Genetics (formerly Invitae), Labcorp
Classification: Uncertain significance for Ataxia-telangiectasia syndrome. Last evaluated: 2026-02-03. Review status: criteria provided, single submitter. Criteria: Invitae Variant Classification Sherloc (09022015). Collection method: clinical testing. Allele origin: germline. Not counted in ClinVar's aggregate classification.
Comment: This sequence change replaces arginine, which is basic and polar, with glycine, which is neutral and non-polar, at codon 2912 of the ATM protein (p.Arg2912Gly). This variant is present in population databases (rs376676328, gnomAD 0.04%), including at least one homozygous and/or hemizygous individual. This missense change has been observed in individual(s) with breast cancer and/or other cancers (PMID: 12810666, 17166884, 21787400, 27443514, 28093616, 28828701, 30814645, 34262154, 35047863, 35534704, 36983044). It has also been observed to segregate with disease in related individuals. This missense change has been observed to co-occur in individuals with a different variant in ATM that has been determined to be pathogenic (PMID: 12810666, 28828701; internal data), but the significance of this finding is unclear. ClinVar contains an entry for this variant (Variation ID: 133641). Invitae Evidence Modeling of protein sequence and biophysical properties (such as structural, functional, and spatial information, amino acid conservation, physicochemical variation, residue mobility, and thermodynamic stability) indicates that this missense variant is expected to disrupt ATM protein function with a positive predictive value of 95%. In summary, the available evidence is currently insufficient to determine the role of this variant in disease. Therefore, it has been classified as a Variant of Uncertain Significance.

GeneDx
Classification: Uncertain significance. Last evaluated: 2025-12-12. Review status: criteria provided, single submitter. Criteria: GeneDx Variant Classification Process June 2021. Collection method: clinical testing. Allele origin: germline. Affected: yes. Not counted in ClinVar's aggregate classification.
Comment: In silico analysis supports that this missense variant has a deleterious effect on protein structure/function; This variant is associated with the following publications: (PMID: 19781682, 24728327, 30613976, 20346647, 21787400, 39122510, 12673797, 25452441, 27443514, 26976419, 36672364, 40487555, 28135145, 28828701, 26787654, 26483394, 28093616, 37262986, 28779002, 11505391, 12810666, 17166884, 29945567, 30197789, 28652578, 23532176, 37791908, 39609110, 31159747, 32183364, 34426522, 33280026, 33471991, 33436325, 33910496, 34573280, 35047863, 35365198, 35886069, 34761457, 35475445, 36555667, 35029067, 36983044, 34326862, 31882575, Richardson2024[Preprint], 38701358, 38734904, 34262154, 35534704, 40105422)

Catlab - Consorci Sanitari de Terrassa
Classification: Uncertain significance for Hereditary cancer-predisposing syndrome. Last evaluated: 2025-09-09. Review status: criteria provided, single submitter. Criteria: ClinGen ACMG Specifications ATM V1.1.0. Collection method: clinical testing. Allele origin: germline. Not counted in ClinVar's aggregate classification.
Comment: Based on the currently available information, this variant is classified as Uncertain Significance according to ClinGen-ATM v1.1.0 guidelines. ACMG criteria: PP3, BP2_strong.

Color Diagnostics, LLC DBA Color Health
Classification: Uncertain significance for Hereditary cancer-predisposing syndrome. Last evaluated: 2025-04-14. Review status: criteria provided, single submitter. Criteria: ACMG Guidelines, 2015. Collection method: clinical testing. Allele origin: germline. Not counted in ClinVar's aggregate classification.
Comment: This missense variant replaces arginine with glycine at codon 2912 of the ATM protein. Computational prediction suggests that this variant may have deleterious impact on protein structure and function. An experimental functional study reported that the variant may partially affect the kinase activity (PMID: 17166884). This variant has been reported in individuals affected with breast cancer (PMID: 11505391, 12673797, 12810666, 17166884, 21787400, 25452441, 26976419, 28779002, 28828701, 33471991, 35365198; DOI: 10.1186/s12859-021-04144-1), ovarian cancer (PMID: 38734904), pancreatic cancer (PMID: 26483394, 29945567), colorectal cancer (PMID: 28135145, 30814645, 35029067), prostate cancer (PMID: 32183364, 35886069), endometrial cancer (PMID: 27443514), melanoma (PMID: 36555667, 39122510), and chronic lymphocytic leukemia (PMID: 28652578). However it has also been observed in healthy individuals and controls (PMID: 21787400, 24728327, 28652578, 33471991). Breast cancer cases in the literature have been reported with pathogenic covariants in other genes (PMID: 12673797, 28828701) and with truncations in ATM (Color internal data). This variant has been identified in 58/282848 chromosomes in the general population by the Genome Aggregation Database (gnomAD). The available evidence is insufficient to determine the role of this variant in disease conclusively. Therefore, this variant is classified as a Variant of Uncertain Significance.

Mayo Clinic Laboratories, Mayo Clinic
Classification: Uncertain significance. Last evaluated: 2025-03-24. Review status: criteria provided, single submitter. Criteria: ACMG Guidelines, 2015. Collection method: clinical testing. Allele origin: germline. Observed: 4 variant alleles. Not counted in ClinVar's aggregate classification.
Comment: BP2_strong, PP3

Molecular Pathology, Peter Maccallum Cancer Centre
Classification: Uncertain significance for Ataxia-telangiectasia syndrome. Last evaluated: 2025-03-21. Review status: criteria provided, single submitter. Criteria: ACMG Guidelines, 2015. Collection method: clinical testing. Allele origin: germline. Inheritance: Autosomal recessive inheritance. Not counted in ClinVar's aggregate classification.

Center for Genomic Medicine, Rigshospitalet, Copenhagen University Hospital
Classification: Uncertain significance. Last evaluated: 2025-03-04. Review status: criteria provided, single submitter. Criteria: ACMG Guidelines, 2015. Collection method: clinical testing. Allele origin: germline. Not counted in ClinVar's aggregate classification.

Institute for Biomarker Research, Medical Diagnostic Laboratories, L.L.C.
Classification: Uncertain significance for Hereditary cancer-predisposing syndrome. Last evaluated: 2025-02-06. Review status: criteria provided, single submitter. Criteria: ACMG Guidelines, 2015. Collection method: clinical testing. Allele origin: germline. Not counted in ClinVar's aggregate classification.
Comment: The missense variant NM_000051.4(ATM):c.8734A>G (p.Arg2912Gly) has not been reported previously as a pathogenic variant nor as a benign variant, to our knowledge. There is a moderate physicochemical difference between arginine and glycine. The gene ATM has a low rate of benign missense variation as indicated by a high missense variants Z-Score of 2.52. The p.Arg2912Gly missense variant is predicted to be damaging by both SIFT and PolyPhen2. The arginine residue at codon 2912 of ATM is conserved in all mammalian species. The nucleotide c.8734 in ATM is predicted conserved by GERP++ and PhyloP across 100 vertebrates. For these reasons, this variant has been classified as Uncertain Significance.

ARUP Laboratories, Molecular Genetics and Genomics, ARUP Laboratories
Classification: Uncertain significance. Last evaluated: 2024-12-04. Review status: criteria provided, single submitter. Criteria: ARUP Molecular Germline Variant Investigation Process 2024. Collection method: clinical testing. Allele origin: germline. Not counted in ClinVar's aggregate classification.
Comment: The ATM c.8734A>G; p.Arg2912Gly variant (rs376676328), is reported in the literature in individuals affected with various forms of suspected hereditary cancer and suspected immunodeficiency (selected references: Teraoka 2001, Goldgar 2011, Young 2011, and Grossi 2021). However, it has also been reported with a pathogenic variant in individuals without signs of ataxia-telangiectasia (ClinGen VCEP) and in an individual with a variant in another gene that likely explains the phenotype (Zidan 2017). This variant is found in the non-Finnish European population with an allele frequency of 0.03% (50/129,162 alleles, including 1 homozygotes) in the Genome Aggregation Database (v2.1.1). Computational analyses predict that this variant is deleterious (REVEL: 0.88). Due to conflicting information, the clinical significance of the p.Arg2912Gly variant is uncertain at this time. REFERENCES: ClinGen Hereditary Breast, Ovarian and Pancreatic Cancer VCEP: Goldgar et al. Rare variants in the ATM gene and risk of breast cancer. Breast Cancer Res. 2011 Jul 25;13(4):R73. PMID: 21787400. Grossi et al. Targeted NGS Yields Plentiful Ultra-Rare Variants in Inborn Errors of Immunity Patients. Genes (Basel). 2021 Aug 24;12(9):1299. PMID: 34573280. Teraoka et al. Increased frequency of ATM mutations in breast carcinoma patients with early onset disease and positive family history. Cancer. 2001 Aug 1;92(3):479-87. PMID: 11505391. Young et al. Pancreatic cancer as a sentinel for hereditary cancer predisposition. BMC Cancer. 2018 Jun 27;18(1):697. doi: 10.1186/s12885-018-4573-5. PMID: 29945567. Zidan J et al. Inherited predisposition to breast and ovarian cancer in non-Jewish populations in Israel. Breast Cancer Res Treat. 2017 Dec;166(3):881-885. PMID: 28828701.

Blueprint Genetics
Classification: Uncertain significance. Last evaluated: 2024-11-26. Review status: criteria provided, single submitter. Criteria: ACMG Guidelines, 2015. Collection method: clinical testing. Allele origin: germline. Not counted in ClinVar's aggregate classification.

Myriad Genetics, Inc.
Classification: Likely benign for Familial cancer of breast. Last evaluated: 2024-06-20. Review status: criteria provided, single submitter. Criteria: Myriad Autosomal Dominant, Autosomal Recessive and X-Linked Classification Criteria (2023). Collection method: clinical testing. Allele origin: unknown. Not counted in ClinVar's aggregate classification.
Comment: This variant is considered likely benign. This variant is strongly associated with less severe personal and family histories of cancer, typical for individuals without pathogenic variants in this gene [PMID: 25085752].

Baylor Genetics
Classification: Uncertain significance for Familial cancer of breast. Last evaluated: 2024-03-25. Review status: criteria provided, single submitter. Criteria: ACMG Guidelines, 2015. Collection method: clinical testing. Allele origin: unknown. Not counted in ClinVar's aggregate classification.

Fulgent Genetics
Classification: Uncertain significance for Familial cancer of breast; Ataxia-telangiectasia syndrome. Last evaluated: 2024-03-07. Review status: criteria provided, single submitter. Criteria: ACMG Guidelines, 2015. Collection method: clinical testing. Allele origin: germline. Not counted in ClinVar's aggregate classification.

Quest Diagnostics Nichols Institute San Juan Capistrano
Classification: Uncertain significance. Last evaluated: 2023-10-09. Review status: criteria provided, single submitter. Criteria: Quest Diagnostics criteria. Collection method: clinical testing. Allele origin: unknown. Not counted in ClinVar's aggregate classification.